The following is an entry in ClinVar:

NM_024529.5(CDC73):c.4del (p.Ala2fs)

Gene: CDC73 (cell division cycle 73; plus strand). Cytogenetic location: 1q31.2.
Variant type: Deletion.
Coding change: c.4del on transcript NM_024529.5 (MANE Select); coding-DNA position 4, one base deleted (G; older notation c.4delG).
Protein change: p.Ala2fs; shifts the reading frame from alanine 2.
Molecular consequence: frameshift variant, initiator codon variant.
Genome position (GRCh38, 1-based): chr1:193,122,204, G deleted; the last of 2 consecutive G bases (chr1:193,122,203-193,122,204); deleting either gives the same sequence. VCF-style (leftmost placement, unchanged base first): chr1-193122202-TG-T. GRCh37 (hg19) VCF-style: chr1-193091332-TG-T.
Other names: c.4delG (NM_024529.4); short protein forms A2fs.
Identifiers: ClinVar variation 403893 (VCV000403893.10), dbSNP rs1060500020, ClinGen allele CA16609960.

ClinVar aggregate classification (germline): Pathogenic (1 of 4 stars; one submission).

Conditions:
Parathyroid carcinoma (PRTC). Also called: CDC73-Related Parathyroid Carcinoma; Parathyroid gland carcinoma. Identifiers: Orphanet 143, MedGen C0687150, MONDO:0012004, OMIM 608266, HP:0006780.

Submission:

Labcorp Genetics (formerly Invitae), Labcorp
Classification: Pathogenic for Parathyroid carcinoma. Last evaluated: 2016-04-16. Review status: criteria provided, single submitter. Criteria: Invitae Variant Classification Sherloc (09022015). Collection method: clinical testing. Allele origin: germline.
Comment: For these reasons, this variant has been classified as Pathogenic. While this particular variant has not been reported in the literature, truncating variants in CDC73 are known to be pathogenic (PMID: 12434154). This sequence change deletes 1 nucleotide from exon 1 of the CDC73 mRNA (c.4delG), causing a frameshift at codon 2. This creates a premature translational stop signal (p.Ala2Argfs*19) and is expected to result in an absent or disrupted protein product.

Literature cited by the submitters: PubMed 12434154.